The following is an entry in ClinVar:

NM_000368.5(TSC1):c.1480G>A (p.Ala494Thr)

Gene: TSC1 (TSC complex subunit 1; minus strand). Cytogenetic location: 9q34.13.
Variant type: single nucleotide variant.
Coding change: c.1480G>A on transcript NM_000368.5 (MANE Select); coding-DNA position 1480, G replaced by A.
Protein change: p.Ala494Thr; replaces alanine 494 with threonine.
Molecular consequence: missense variant.
Genome position (GRCh38, 1-based): chr9:132,906,098, C>T on the plus strand (G>A on the coding strand, the complement: TSC1 is on the minus strand). VCF-style: chr9-132906098-C-T. GRCh37 (hg19) VCF-style: chr9-135781485-C-T.
Other names: c.1477G>A, p.Ala493Thr (NM_001162426.2); c.1327G>A, p.Ala443Thr (NM_001162427.2); c.1117G>A, p.Ala373Thr (NM_001362177.2); short protein forms A443T, A493T, A373T, A494T.
Identifiers: ClinVar variation 966301 (VCV000966301.8), dbSNP rs1845656527, ClinGen allele CA375365454.

ClinVar aggregate classification (germline): Conflicting classifications of pathogenicity. Review status: criteria provided, conflicting classifications (1 of 4 stars). 2 submissions from 2 submitters: Uncertain significance (1); Likely benign (1). Last evaluated 2026-05-14.

Conditions:
Hereditary cancer-predisposing syndrome. Also called: Hereditary Cancer Syndrome; Neoplastic Syndromes, Hereditary; Tumor predisposition; Hereditary neoplastic syndrome. Identifiers: Orphanet 140162, MedGen C0027672, MeSH D009386, MONDO:0015356.
Tuberous sclerosis 1 (TSC1). Identifiers: Orphanet 805, MedGen C1854465, MONDO:0008612, OMIM 191100.

Submissions (2):

Ambry Genetics
Classification: Likely benign for Hereditary cancer-predisposing syndrome. Last evaluated: 2026-05-14. Review status: criteria provided, single submitter. Criteria: Ambry Variant Classification Scheme 2023. Collection method: clinical testing. Allele origin: germline.

Labcorp Genetics (formerly Invitae), Labcorp
Classification: Uncertain significance for Tuberous sclerosis 1. Last evaluated: 2025-07-14. Review status: criteria provided, single submitter. Criteria: Invitae Variant Classification Sherloc (09022015). Collection method: clinical testing. Allele origin: germline.
Comment: This sequence change replaces alanine, which is neutral and non-polar, with threonine, which is neutral and polar, at codon 494 of the TSC1 protein (p.Ala494Thr). This variant is not present in population databases (gnomAD no frequency). This variant has not been reported in the literature in individuals affected with TSC1-related conditions. ClinVar contains an entry for this variant (Variation ID: 966301). Invitae Evidence Modeling of protein sequence and biophysical properties (such as structural, functional, and spatial information, amino acid conservation, physicochemical variation, residue mobility, and thermodynamic stability) indicates that this missense variant is not expected to disrupt TSC1 protein function with a negative predictive value of 95%. In summary, the available evidence is currently insufficient to determine the role of this variant in disease. Therefore, it has been classified as a Variant of Uncertain Significance.